The following is an entry in ClinVar:

NM_003737.4(DCHS1):c.5557C>T (p.Pro1853Ser)

Gene: DCHS1 (dachsous cadherin-related 1; minus strand). Cytogenetic location: 11p15.4.
Variant type: single nucleotide variant.
Coding change: c.5557C>T on transcript NM_003737.4 (MANE Select); coding-DNA position 5557, C replaced by T.
Protein change: p.Pro1853Ser; replaces proline 1853 with serine.
Molecular consequence: missense variant.
Genome position (GRCh38, 1-based): chr11:6,627,482, G>A on the plus strand (C>T on the coding strand, the complement: DCHS1 is on the minus strand). VCF-style: chr11-6627482-G-A. GRCh37 (hg19) VCF-style: chr11-6648713-G-A.
Other names: short protein forms P1853S.
Identifiers: ClinVar variation 4772042 (VCV004772042.1).

ClinVar aggregate classification (germline): Uncertain significance (1 of 4 stars; one submission).

gnomAD v4.1: 3 of 1,611,580 alleles (0.00019%); highest among the groups gnomAD compares: Non-Finnish European, 0.00025%; no homozygotes.

Submission:

Labcorp Genetics (formerly Invitae), Labcorp
Classification: Uncertain significance. Last evaluated: 2025-09-24. Review status: criteria provided, single submitter. Criteria: Invitae Variant Classification Sherloc (09022015). Collection method: clinical testing. Allele origin: germline.
Comment: This sequence change replaces proline, which is neutral and non-polar, with serine, which is neutral and polar, at codon 1853 of the DCHS1 protein (p.Pro1853Ser). This variant is present in population databases (no rsID available, gnomAD 0.0009%). This variant has not been reported in the literature in individuals affected with DCHS1-related conditions. Invitae Evidence Modeling of protein sequence and biophysical properties (such as structural, functional, and spatial information, amino acid conservation, physicochemical variation, residue mobility, and thermodynamic stability) has been performed for this missense variant. However, the output from this modeling did not meet the statistical confidence thresholds required to predict the impact of this variant on DCHS1 protein function. In summary, the available evidence is currently insufficient to determine the role of this variant in disease. Therefore, it has been classified as a Variant of Uncertain Significance.